The following is an entry in ClinVar:

NM_000038.6(APC):c.3867T>A (p.Cys1289Ter)

Gene: APC (APC regulator of Wnt signaling pathway; plus strand). Cytogenetic location: 5q22.2.
Variant type: single nucleotide variant.
Coding change: c.3867T>A on transcript NM_000038.6 (MANE Select); coding-DNA position 3867, T replaced by A.
Protein change: p.Cys1289Ter; replaces cysteine 1289 with a stop codon.
Molecular consequence: nonsense.
Genome position (GRCh38, 1-based): chr5:112,839,461, T>A. VCF-style: chr5-112839461-T-A. GRCh37 (hg19) VCF-style: chr5-112175158-T-A.
Other names: c.3867T>A, p.Cys1289Ter (NM_001127510.3, NM_001354895.2); c.3813T>A, p.Cys1271Ter (NM_001127511.3); c.3921T>A, p.Cys1307Ter (NM_001354896.2); c.3897T>A, p.Cys1299Ter (NM_001354897.2); c.3792T>A, p.Cys1264Ter (NM_001354898.2); c.3783T>A, p.Cys1261Ter (NM_001354899.2); c.3744T>A, p.Cys1248Ter (NM_001354900.2); c.3690T>A, p.Cys1230Ter (NM_001354901.2); and 5 more; short protein forms C1271*, C1289*, C1006*, C1129*, C1230*, C1248*, C1307*, C1163*.
Identifiers: ClinVar variation 545962 (VCV000545962.14), dbSNP rs1554085355, ClinGen allele CA16029816.

ClinVar aggregate classification (germline): Pathogenic. Review status: criteria provided, multiple submitters, no conflicts (2 of 4 stars). 5 submissions from 5 submitters: Pathogenic (5). Last evaluated 2026-01-27.

Conditions:
Hereditary cancer-predisposing syndrome. Also called: Hereditary neoplastic syndrome; Tumor predisposition; Neoplastic Syndromes, Hereditary; Hereditary Cancer Syndrome. Identifiers: Orphanet 140162, MedGen C0027672, MeSH D009386, MONDO:0015356.
Familial adenomatous polyposis 1 (FAP1). Also called: FAMILIAL ADENOMATOUS POLYPOSIS 1, ATTENUATED; POLYPOSIS, ADENOMATOUS INTESTINAL. Identifiers: MedGen C2713442, MONDO:0021056, OMIM 175100. Disease mechanism: loss of function.
Neoplasm of stomach. Also called: Gastric neoplasm; Neoplasm of the stomach; Stomach Neoplasms. Identifiers: MedGen C0038356, MONDO:0021085, HP:0006753. Disease mechanism: gain of function. Inheritance: Somatic mutation.
Hepatocellular carcinoma (HCC). Also called: HEPATOMA; LIVER CELL CARCINOMA; Primary carcinoma of liver. Identifiers: Orphanet 88673, MedGen C2239176, MONDO:0007256, OMIM 114550, HP:0001402.
Desmoid disease, hereditary (DESMD). Also called: FIBROMATOSIS, FAMILIAL INFILTRATIVE. Identifiers: Orphanet 873, MedGen C1851124, OMIM 135290. Disease mechanism: loss of function.
Carcinoma of colon (CRC). Also called: Colon carcinoma; Colonic carcinoma. Identifiers: MedGen C0699790, MONDO:0002032.

Submissions (5):

Labcorp Genetics (formerly Invitae), Labcorp
Classification: Pathogenic for Familial adenomatous polyposis 1. Last evaluated: 2026-01-27. Review status: criteria provided, single submitter. Criteria: Invitae Variant Classification Sherloc (09022015). Collection method: clinical testing. Allele origin: germline.
Comment: This sequence change creates a premature translational stop signal (p.Cys1289*) in the APC gene. While this is not anticipated to result in nonsense mediated decay, it is expected to disrupt the last 1555 amino acid(s) of the APC protein. This variant is not present in population databases (gnomAD no frequency). This premature translational stop signal has been observed in individual(s) with familial adenomatous polyposis (PMID: 10083733). ClinVar contains an entry for this variant (Variation ID: 545962). This variant is expected to disrupt the EB1 and HDLG binding sites, which mediate interactions with the cytoskeleton (PMID: 15311282, 17293347). While functional studies have not been performed to directly test the effect on APC protein function, this suggests that disruption of the C-terminal portion of the protein is functionally important. A different truncation (p.Tyr2645Lysfs*14) that lies downstream of this variant has been determined to be pathogenic (PMID: 9824584, 1316610, 27081525, 8381579, 22135120, internal data). This suggests that deletion of this region of the APC protein is causative of disease. For these reasons, this variant has been classified as Pathogenic.

Myriad Genetics, Inc.
Classification: Pathogenic for Familial adenomatous polyposis 1. Last evaluated: 2023-05-09. Review status: criteria provided, single submitter. Criteria: Myriad Autosomal Dominant, Autosomal Recessive and X-Linked Classification Criteria (2023). Collection method: clinical testing. Allele origin: unknown.
Comment: This variant is considered pathogenic. This variant creates a termination codon and is predicted to result in premature protein truncation.

Ambry Genetics
Classification: Pathogenic for Hereditary cancer-predisposing syndrome. Last evaluated: 2019-02-01. Review status: criteria provided, single submitter. Criteria: Ambry Variant Classification Scheme 2023. Collection method: clinical testing. Allele origin: germline.
Comment: The p.C1289* pathogenic mutation (also known as c.3867T>A), located in coding exon 15 of the APC gene, results from a T to A substitution at nucleotide position 3867. This changes the amino acid from a cysteine to a stop codon within coding exon 15. In addition to the clinical data presented in the literature, this alteration is expected to result in loss of function by premature protein truncation. As such, this alteration is interpreted as a disease-causing mutation.

Fulgent Genetics
Classification: Pathogenic for Colorectal cancer; Hepatocellular carcinoma; Desmoid disease, hereditary; Familial adenomatous polyposis 1; Gastric cancer. Last evaluated: 2018-10-31. Review status: criteria provided, single submitter. Criteria: ACMG Guidelines, 2015. Collection method: clinical testing. Allele origin: unknown.

GeneDx
Classification: Pathogenic. Last evaluated: 2016-07-14. Review status: criteria provided, single submitter. Criteria: GeneDx Variant Classification (06012015). Collection method: clinical testing. Allele origin: germline. Affected: yes.
Comment: This variant is denoted APC c.3867T>A at the cDNA level and p.Cys1289Ter (C1289X) at the protein level. The substitution creates a nonsense variant, which changes a Cysteine to a premature stop codon (TGT>TGA), and is predicted to cause loss of normal protein function through protein truncation. This variant has been reported in individuals with a clinical diagnosis of Familial Adenomatous Polyposis (FAP) and is considered pathogenic (Won 1999, Kerr 2013).

Literature cited by the submitters: PubMed 10083733 (cited by Labcorp Genetics (formerly Invitae), Labcorp and Ambry Genetics); PubMed 15311282 (cited by Labcorp Genetics (formerly Invitae), Labcorp); PubMed 17293347 (cited by Labcorp Genetics (formerly Invitae), Labcorp); PubMed 9824584 (cited by Labcorp Genetics (formerly Invitae), Labcorp); PubMed 1316610 (cited by Labcorp Genetics (formerly Invitae), Labcorp); PubMed 27081525 (cited by Labcorp Genetics (formerly Invitae), Labcorp); PubMed 8381579 (cited by Labcorp Genetics (formerly Invitae), Labcorp); PubMed 22135120 (cited by Labcorp Genetics (formerly Invitae), Labcorp); PubMed 16088911 (cited by Ambry Genetics); PubMed 27302369 (cited by Ambry Genetics).